The following is an entry in ClinVar:

NM_198253.3(TERT):c.2468+17G>C

Gene: TERT (telomerase reverse transcriptase; minus strand). Cytogenetic location: 5p15.33.
Variant type: single nucleotide variant.
Coding change: c.2468+17G>C on transcript NM_198253.3 (MANE Select); 17 bases into the intron after coding-DNA position 2468, G replaced by C.
Molecular consequence: intron variant.
Genome position (GRCh38, 1-based): chr5:1,271,102, C>G on the plus strand (G>C on the coding strand, the complement: TERT is on the minus strand). VCF-style: chr5-1271102-C-G. GRCh37 (hg19) VCF-style: chr5-1271217-C-G.
Other names: c.2468+17G>C (NM_001193376.3).
Identifiers: ClinVar variation 2013379 (VCV002013379.4), dbSNP rs2478199594, ClinGen allele CA2580072009.

ClinVar aggregate classification (germline): Uncertain significance (1 of 4 stars; one submission).

Conditions:
Dyskeratosis congenita, autosomal dominant 2. Identifiers: MedGen C3151443, MONDO:0013521, OMIM 613989.
Idiopathic Pulmonary Fibrosis. Also called: Idiopathic fibrosing alveolitis, chronic form; idiopathic fibrosing alveolitis. Identifiers: Orphanet 2032, MedGen C1800706, MeSH D054990, MONDO:0800504.

Submission:

Labcorp Genetics (formerly Invitae), Labcorp
Classification: Uncertain significance for Dyskeratosis congenita, autosomal dominant 2; Idiopathic Pulmonary Fibrosis. Last evaluated: 2022-07-03. Review status: criteria provided, single submitter. Criteria: Invitae Variant Classification Sherloc (09022015). Collection method: clinical testing. Allele origin: germline.
Comment: In summary, the available evidence is currently insufficient to determine the role of this variant in disease. Therefore, it has been classified as a Variant of Uncertain Significance. Algorithms developed to predict the effect of sequence changes on RNA splicing suggest that this variant may create or strengthen a splice site. This variant has not been reported in the literature in individuals affected with TERT-related conditions. This variant is not present in population databases (gnomAD no frequency). This sequence change falls in intron 8 of the TERT gene. It does not directly change the encoded amino acid sequence of the TERT protein.